The following is an entry in ClinVar:

ClinVar aggregate classification (germline): Uncertain significance (1 of 4 stars; one submission).

Submission:

CeGaT Center for Human Genetics Tuebingen
Classification: Uncertain significance. Last evaluated: 2025-05-01. Review status: criteria provided, single submitter. Criteria: CeGaT Center For Human Genetics Tuebingen Variant Classification Criteria Version 2. Collection method: clinical testing. Allele origin: germline. Affected: yes. Observed: 1 variant allele.
Comment: TTN: PM2, BP4

NM_001267550.2(TTN):c.23932G>A (p.Val7978Ile)

Gene: TTN (titin; minus strand). Cytogenetic location: 2q31.2.
Variant type: single nucleotide variant.
Coding change: c.23932G>A on transcript NM_001267550.2 (MANE Select); coding-DNA position 23932, G replaced by A.
Protein change: p.Val7978Ile; replaces valine 7978 with isoleucine.
Molecular consequence: missense variant. On other transcripts: intron variant (3).
Genome position (GRCh38, 1-based): chr2:178,719,560, C>T on the plus strand (G>A on the coding strand, the complement: TTN is on the minus strand). VCF-style: chr2-178719560-C-T. GRCh37 (hg19) VCF-style: chr2-179584287-C-T.
Other names: c.22981G>A, p.Val7661Ile (NM_001256850.1); c.20200G>A, p.Val6734Ile (NM_133378.4); c.13282+18522G>A (NM_003319.4); c.13858+18522G>A (NM_133437.4); c.13657+18522G>A (NM_133432.3); short protein forms V6734I, V7661I, V7978I.
Identifiers: ClinVar variation 3904975 (VCV003904975.10).
Genomic context (GRCh38, chr2:178,719,560, plus strand): 5'-GCCCCTCCACCCCCTGGAAATATTGTATATTCATAAAAATCTCATTCTACTCACCAGAAA[C>T]ATGGACGGATACAGTGCAGTTACTTTTGCCAACACTGTTTTTCACTTCAAAGCTATATAA-3'
Protein context (NP_001254479.2, residues 7968-7988): GKSNCTVSVH[Val7978Ile]SDRIVPPSFI